The following is an entry in ClinVar:

NM_000057.4(BLM):c.3854_3857del (p.Tyr1285fs)

Gene: BLM (BLM RecQ like helicase; plus strand). Cytogenetic location: 15q26.1.
Variant type: Deletion.
Coding change: c.3854_3857del on transcript NM_000057.4 (MANE Select); coding-DNA positions 3854 to 3857, 4 bases deleted (ACTC; older notation c.3854_3857delACTC).
Protein change: p.Tyr1285fs; shifts the reading frame from tyrosine 1285.
Molecular consequence: frameshift variant.
Genome position (GRCh38, 1-based): chr15:90,809,239-90,809,242, ACTC deleted. VCF-style (leftmost placement, unchanged base first): chr15-90809238-TACTC-T. GRCh37 (hg19) VCF-style: chr15-91352468-TACTC-T.
Other names: c.3854_3857del, p.Tyr1285fs (NM_001287246.2); c.3461_3464del, p.Tyr1154fs (NM_001287247.2); c.2729_2732del, p.Tyr910fs (NM_001287248.2); short protein forms Y1154fs, Y1285fs, Y910fs.
Identifiers: ClinVar variation 1453368 (VCV001453368.6), dbSNP rs2151198369, ClinGen allele CA2573151427.

ClinVar aggregate classification (germline): Pathogenic (1 of 4 stars; one submission).

Conditions:
Bloom syndrome (BLM). Also called: Bloom-Torre-Machacek syndrome. Identifiers: Orphanet 125, MedGen C0005859, MONDO:0008876, OMIM 210900.

Submission:

Labcorp Genetics (formerly Invitae), Labcorp
Classification: Pathogenic for Bloom syndrome. Last evaluated: 2021-05-21. Review status: criteria provided, single submitter. Criteria: Invitae Variant Classification Sherloc (09022015). Collection method: clinical testing. Allele origin: germline.
Comment: For these reasons, this variant has been classified as Pathogenic. This variant has not been reported in the literature in individuals with BLM-related conditions. This variant is not present in population databases (ExAC no frequency). This sequence change creates a premature translational stop signal (p.Tyr1285Leufs*14) in the BLM gene. It is expected to result in an absent or disrupted protein product. Loss-of-function variants in BLM are known to be pathogenic (PMID: 17407155).

Literature cited by the submitters: PubMed 17407155.